The following is an entry in ClinVar:

NM_000466.3(PEX1):c.1193T>A (p.Ile398Asn)

Gene: PEX1 (peroxisomal biogenesis factor 1; minus strand). Cytogenetic location: 7q21.2.
Variant type: single nucleotide variant.
Coding change: c.1193T>A on transcript NM_000466.3 (MANE Select); coding-DNA position 1193, T replaced by A.
Protein change: p.Ile398Asn; replaces isoleucine 398 with asparagine.
Molecular consequence: missense variant.
Genome position (GRCh38, 1-based): chr7:92,517,322, A>T on the plus strand (T>A on the coding strand, the complement: PEX1 is on the minus strand). VCF-style: chr7-92517322-A-T. GRCh37 (hg19) VCF-style: chr7-92146636-A-T.
Other names: c.1193T>A, p.Ile398Asn (NM_001282677.2); c.569T>A, p.Ile190Asn (NM_001282678.2); c.1193T>A (NM_000466.2); short protein forms I190N, I398N.
Identifiers: ClinVar variation 2171426 (VCV002171426.2), dbSNP rs775546711, ClinGen allele CA4341474.
Genomic context (GRCh38, chr7:92,517,322, plus strand): 5'-AAATTTATACTAACCCAGACTTTCCCAAGATGGAGAACTTCTACATTTTTGGTATATTTG[A>T]TGGCATTGTTCAATTCTTCAAGTCCATTCCAGACTACTTGTAGCACACAGGCCTTCTCAT-3'
Protein context (NP_000457.1, residues 388-408): WNGLEELNNA[Ile398Asn]KYTKNVEVLH

ClinVar aggregate classification (germline): Uncertain significance. Review status: criteria provided, multiple submitters, no conflicts (2 of 4 stars). 2 submissions from 2 submitters: Uncertain significance (2). Last evaluated 2023-04-28.

Conditions:
PEX1-related disorder. Also called: PEX1-related condition.
Zellweger spectrum disorders (ZS). Also called: Zellweger Spectrum Disorder; Zellweger Spectrum; Zellweger syndrome; Zellweger Spectrum Disorder (ZSD). Identifiers: Orphanet 912, MedGen C0043459, MONDO:0019609.

Allele frequency attached by ClinVar (database versions not stated): gnomAD exomes 0.00001; ExAC 0.00002; gnomAD 0.00003; TOPMed 0.00003.
gnomAD v4.1: 16 of 1,613,706 alleles (0.00099%); highest among the groups gnomAD compares: Admixed American, 0.015%; no homozygotes.

Submissions (2):

PreventionGenetics, part of Exact Sciences
Classification: Uncertain significance for PEX1-related condition. Last evaluated: 2023-04-28. Review status: criteria provided, single submitter. Criteria: ACMG Guidelines, 2015. Collection method: clinical testing. Allele origin: germline.
Comment: The PEX1 c.1193T>A variant is predicted to result in the amino acid substitution p.Ile398Asn. To our knowledge, this variant has not been reported in the literature. This variant is reported in 0.012% of alleles in individuals of Latino descent in gnomAD. At this time, the clinical significance of this variant is uncertain due to the absence of conclusive functional and genetic evidence.

Labcorp Genetics (formerly Invitae), Labcorp
Classification: Uncertain significance for Zellweger spectrum disorders. Last evaluated: 2022-06-15. Review status: criteria provided, single submitter. Criteria: Invitae Variant Classification Sherloc (09022015). Collection method: clinical testing. Allele origin: germline.
Comment: This sequence change replaces isoleucine, which is neutral and non-polar, with asparagine, which is neutral and polar, at codon 398 of the PEX1 protein (p.Ile398Asn). This variant is present in population databases (rs775546711, gnomAD 0.01%). This variant has not been reported in the literature in individuals affected with PEX1-related conditions. Advanced modeling of protein sequence and biophysical properties (such as structural, functional, and spatial information, amino acid conservation, physicochemical variation, residue mobility, and thermodynamic stability) performed at Invitae indicates that this missense variant is not expected to disrupt PEX1 protein function. In summary, the available evidence is currently insufficient to determine the role of this variant in disease. Therefore, it has been classified as a Variant of Uncertain Significance.